The following is an entry in ClinVar:

NM_001378183.1(PIEZO2):c.3500A>G (p.Tyr1167Cys)

Gene: PIEZO2 (piezo type mechanosensitive ion channel component 2; minus strand). Cytogenetic location: 18p11.22.
Variant type: single nucleotide variant.
Coding change: c.3500A>G on transcript NM_001378183.1 (MANE Select); coding-DNA position 3500, A replaced by G.
Protein change: p.Tyr1167Cys; replaces tyrosine 1167 with cysteine.
Molecular consequence: missense variant.
Genome position (GRCh38, 1-based): chr18:10,759,860, T>C on the plus strand (A>G on the coding strand, the complement: PIEZO2 is on the minus strand). VCF-style: chr18-10759860-T-C. GRCh37 (hg19) VCF-style: chr18-10759858-T-C.
Other names: c.3500A>G, p.Tyr1167Cys (NM_001410871.1); c.3425A>G, p.Tyr1142Cys (NM_022068.4); short protein forms Y1142C, Y1167C.
Identifiers: ClinVar variation 1804517 (VCV001804517.4), dbSNP rs747108006, ClinGen allele CA8892538.
Genomic context (GRCh38, chr18:10,759,860, plus strand): 5'-ATGGCTTTCCTTCTGCGTCTATATAAGACAGCGATCAGCCAGCAGGCGTGGATCATGGCA[T>C]AGAAATCCATTCGCTGGCCAATGACGTTAACTGACATTAGGAAACAGGTCTGTGTAAAGA-3'
Protein context (NP_001365112.1, residues 1157-1177): VNVIGQRMDF[Tyr1167Cys]AMIHACWLIA

ClinVar aggregate classification (germline): Uncertain significance. Review status: criteria provided, multiple submitters, no conflicts (2 of 4 stars). 2 submissions from 2 submitters: Uncertain significance (2). Last evaluated 2024-04-10.

Allele frequency attached by ClinVar (database versions not stated): gnomAD exomes 0.00002; gnomAD 0.00004; ExAC 0.00010; TOPMed 0.00042.
gnomAD v4.1: 79 of 1,537,270 alleles (0.0051%); highest among the groups gnomAD compares: Admixed American, 0.0039%; 1 homozygote.

Submissions (2):

Labcorp Genetics (formerly Invitae), Labcorp
Classification: Uncertain significance. Last evaluated: 2024-04-10. Review status: criteria provided, single submitter. Criteria: Invitae Variant Classification Sherloc (09022015). Collection method: clinical testing. Allele origin: germline.
Comment: This sequence change replaces tyrosine, which is neutral and polar, with cysteine, which is neutral and slightly polar, at codon 1142 of the PIEZO2 protein (p.Tyr1142Cys). This variant is present in population databases (rs747108006, gnomAD 0.01%). This variant has not been reported in the literature in individuals affected with PIEZO2-related conditions. ClinVar contains an entry for this variant (Variation ID: 1804517). Advanced modeling of protein sequence and biophysical properties (such as structural, functional, and spatial information, amino acid conservation, physicochemical variation, residue mobility, and thermodynamic stability) performed at Invitae indicates that this missense variant is not expected to disrupt PIEZO2 protein function with a negative predictive value of 80%. In summary, the available evidence is currently insufficient to determine the role of this variant in disease. Therefore, it has been classified as a Variant of Uncertain Significance.

GeneDx
Classification: Uncertain significance. Last evaluated: 2022-06-17. Review status: criteria provided, single submitter. Criteria: GeneDx Variant Classification Process June 2021. Collection method: clinical testing. Allele origin: germline. Affected: yes.
Comment: In silico analysis supports that this missense variant has a deleterious effect on protein structure/function; Has not been previously published as pathogenic or benign to our knowledge